The following is an entry in ClinVar:

ClinVar aggregate classification (germline): Likely pathogenic (1 of 4 stars; one submission).

Conditions:
Acid sphingomyelinase deficiency. Identifiers: Orphanet 618899, MedGen C5243927, MONDO:0100464.

Submission:

Myriad Genetics, Inc.
Classification: Likely pathogenic for Acid sphingomyelinase deficiency. Last evaluated: 2022-01-02. Review status: criteria provided, single submitter. Criteria: Myriad Autosomal Dominant, Autosomal Recessive and X-Linked Classification Criteria (2023). Collection method: clinical testing. Allele origin: unknown.
Comment: NM_000543.4(SMPD1):c.295_296delAC(T99Rfs*42) is expected to be pathogenic in the context of Niemann-Pick disease, SMPD1-related. This variant is predicted to lead to an abnormal or absent protein product due to the creation of a premature termination codon in SMPD1, a gene where loss-of-function variants are known to be pathogenic. Please note: this variant was assessed in the context of healthy population screening.

NM_000543.5(SMPD1):c.295_296del (p.Thr99fs)

Gene: SMPD1 (sphingomyelin phosphodiesterase 1; plus strand). Cytogenetic location: 11p15.4.
Variant type: Deletion.
Coding change: c.295_296del on transcript NM_000543.5 (MANE Select); coding-DNA positions 295 to 296, 2 bases deleted (AC; older notation c.295_296delAC).
Protein change: p.Thr99fs; shifts the reading frame from threonine 99.
Molecular consequence: frameshift variant. On other transcripts: 5 prime UTR variant (1), non-coding transcript variant (2).
Genome position (GRCh38, 1-based): chr11:6,390,893-6,390,894, AC deleted; deleting any 2 consecutive bases within chr11:6,390,892-6,390,894 gives the same sequence; the c. name uses the placement nearest the transcript's 3' end. VCF-style (leftmost placement, unchanged base first): chr11-6390891-TCA-T. GRCh37 (hg19) VCF-style: chr11-6412121-TCA-T.
Other names: c.295_296del, p.Thr99fs (NM_001007593.3, NM_001318087.2, NM_001365135.2); c.-667_-666del (NM_001318088.2); short protein forms T99fs.
Identifiers: ClinVar variation 1726811 (VCV001726811.3), dbSNP rs2493800895, ClinGen allele CA2580083944.